The following is an entry in ClinVar:

ClinVar aggregate classification (germline): Benign. Review status: criteria provided, multiple submitters, no conflicts (2 of 4 stars). 4 submissions from 4 submitters: Benign (3). 1 of the submissions does not count toward it. Last evaluated 2023-05-24.

Conditions:
CLTCL1-related disorder. Also called: CLTCL1-related condition.

Allele frequency attached by ClinVar (database versions not stated): gnomAD exomes 0.00319 and 0.00133; gnomAD 0.01178 and 0.01264; ExAC 0.00380; TOPMed 0.01366; ESP Exome Variant Server 0.01263; 1000 Genomes Project 0.01458; 1000 Genomes Project 30x 0.01546.
gnomAD v4.1: 3,828 of 1,614,014 alleles (0.24%); highest among the groups gnomAD compares: African/African-American, 4.1%; 62 homozygotes.

Submissions (4):

Mayo Clinic Laboratories, Mayo Clinic
Classification: Benign. Last evaluated: 2023-05-24. Review status: criteria provided, single submitter. Criteria: ACMG Guidelines, 2015. Collection method: clinical testing. Allele origin: germline. Observed: 7 variant alleles.
Comment: BS1, BS2, BP4

Labcorp Genetics (formerly Invitae), Labcorp
Classification: Benign. Last evaluated: 2019-12-31. Review status: criteria provided, single submitter. Criteria: Invitae Variant Classification Sherloc (09022015). Collection method: clinical testing. Allele origin: germline.

Breakthrough Genomics
Classification: Benign. Review status: criteria provided, single submitter. Criteria: ACMG Guidelines, 2015. Collection method: not provided. Allele origin: germline. Inheritance: Unknown mechanism. Affected: yes.

PreventionGenetics, part of Exact Sciences
Classification: Benign for CLTCL1-related condition. Last evaluated: 2019-06-03. Review status: no assertion criteria provided. Collection method: clinical testing. Allele origin: germline. Not counted in ClinVar's aggregate classification.
Comment: This variant is classified as benign based on ACMG/AMP sequence variant interpretation guidelines (Richards et al. 2015 PMID: 25741868, with internal and published modifications).

NM_007098.4(CLTCL1):c.2834G>A (p.Arg945His)

Gene: CLTCL1 (clathrin heavy chain like 1; minus strand). Cytogenetic location: 22q11.21.
Variant type: single nucleotide variant.
Coding change: c.2834G>A on transcript NM_007098.4 (MANE Select); coding-DNA position 2834, G replaced by A.
Protein change: p.Arg945His; replaces arginine 945 with histidine.
Molecular consequence: missense variant.
Genome position (GRCh38, 1-based): chr22:19,219,970, C>T on the plus strand (G>A on the coding strand, the complement: CLTCL1 is on the minus strand). VCF-style: chr22-19219970-C-T. GRCh37 (hg19) VCF-style: chr22-19207479-C-T.
Other names: p.Arg945His; c.2834G>A, p.Arg945His (NM_001835.4); short protein forms R945H.
Identifiers: ClinVar variation 786374 (VCV000786374.8), dbSNP rs36077768, ClinGen allele CA10098276.